The following is an entry in ClinVar:

NM_003742.4(ABCB11):c.2538G>T (p.Trp846Cys)

Gene: ABCB11 (ATP binding cassette subfamily B member 11; minus strand). Cytogenetic location: 2q31.1.
Variant type: single nucleotide variant.
Coding change: c.2538G>T on transcript NM_003742.4 (MANE Select); coding-DNA position 2538, G replaced by T.
Protein change: p.Trp846Cys; replaces tryptophan 846 with cysteine.
Molecular consequence: missense variant.
Genome position (GRCh38, 1-based): chr2:168,944,677, C>A on the plus strand (G>T on the coding strand, the complement: ABCB11 is on the minus strand). VCF-style: chr2-168944677-C-A. GRCh37 (hg19) VCF-style: chr2-169801187-C-A.
Other names: c.2538G>T, p.Trp846Cys (LRG_1199t1); short protein forms W846C.
Identifiers: ClinVar variation 597818 (VCV000597818.9), dbSNP rs1208988638, ClinGen allele CA349126400.

ClinVar aggregate classification (germline): Uncertain significance. Review status: criteria provided, multiple submitters, no conflicts (2 of 4 stars). 2 submissions from 2 submitters: Uncertain significance (2). Last evaluated 2024-10-24.

Allele frequency attached by ClinVar (database versions not stated): TOPMed 0.00001.

Submissions (2):

Labcorp Genetics (formerly Invitae), Labcorp
Classification: Uncertain significance. Last evaluated: 2024-10-24. Review status: criteria provided, single submitter. Criteria: Invitae Variant Classification Sherloc (09022015). Collection method: clinical testing. Allele origin: germline.
Comment: This sequence change replaces tryptophan, which is neutral and slightly polar, with cysteine, which is neutral and slightly polar, at codon 846 of the ABCB11 protein (p.Trp846Cys). This variant is not present in population databases (gnomAD no frequency). This variant has not been reported in the literature in individuals affected with ABCB11-related conditions. ClinVar contains an entry for this variant (Variation ID: 597818). Invitae Evidence Modeling of protein sequence and biophysical properties (such as structural, functional, and spatial information, amino acid conservation, physicochemical variation, residue mobility, and thermodynamic stability) indicates that this missense variant is expected to disrupt ABCB11 protein function with a positive predictive value of 95%. In summary, the available evidence is currently insufficient to determine the role of this variant in disease. Therefore, it has been classified as a Variant of Uncertain Significance.

Eurofins Ntd Llc (ga)
Classification: Uncertain significance. Last evaluated: 2018-06-26. Review status: criteria provided, single submitter. Criteria: EGL ClinVar v180209 classification definitions. Collection method: clinical testing. Allele origin: germline. Observed: 1 variant allele, 1 heterozygote.